The following is an entry in ClinVar:

ClinVar aggregate classification (germline): Pathogenic. Review status: criteria provided, multiple submitters, no conflicts (2 of 4 stars). 4 submissions from 4 submitters: Pathogenic (3). 1 of the submissions does not count toward it. Last evaluated 2024-11-04.

Conditions:
Autosomal recessive nonsyndromic hearing loss 18A. Also called: Deafness, autosomal recessive 18A; DEAFNESS, AUTOSOMAL RECESSIVE 18. Identifiers: Orphanet 90636, MedGen C1865870, MONDO:0011192, OMIM 602092.
Usher syndrome type 1C. Also called: USHER SYNDROME, TYPE I, ACADIAN VARIETY. Identifiers: Orphanet 231169, Orphanet 886, MedGen C1848604, MONDO:0010171, OMIM 276904.

Submissions (4):

Natera, Inc.
Classification: Pathogenic for Usher syndrome type 1C. Last evaluated: 2024-11-04. Review status: criteria provided, single submitter. Criteria: Natera Variant Classification Schema (03/2026). Collection method: clinical testing. Allele origin: germline.
Comment: The c.674+2T>G variant in USH1C is a canonical splice donor site variant predicted to affect pre-mRNA splicing, which may result in an abnormal transcript and altered protein product. This variant is expected to result in nonsense mediated decay, truncation, or a dysfunctional protein product. This variant is rare in the general population with a frequency below the threshold expected for the associated phenotype(s). This variant has been observed in one or more individuals affected with the associated recessive disease, as either homozygous or compound heterozygous with a second variant (PMID: 12107438). Additionally, this variant has been observed to segregate in affected family members (PMID: 12107438). Given the available evidence, this variant is classified as Pathogenic.

Baylor Genetics
Classification: Pathogenic for Autosomal recessive nonsyndromic hearing loss 18A. Last evaluated: 2023-11-29. Review status: criteria provided, single submitter. Criteria: ACMG Guidelines, 2015. Collection method: clinical testing. Allele origin: unknown.

Labcorp Genetics (formerly Invitae), Labcorp
Classification: Pathogenic. Last evaluated: 2022-08-16. Review status: criteria provided, single submitter. Criteria: Invitae Variant Classification Sherloc (09022015). Collection method: clinical testing. Allele origin: germline.
Comment: For these reasons, this variant has been classified as Pathogenic. Algorithms developed to predict the effect of sequence changes on RNA splicing suggest that this variant may disrupt the consensus splice site. ClinVar contains an entry for this variant (Variation ID: 554188). This variant is also known as IVS8+2T>G. Disruption of this splice site has been observed in individuals with Usher syndrome (PMID: 12107438; Invitae). This variant is present in population databases (no rsID available, gnomAD 0.0009%). This sequence change affects a donor splice site in intron 8 of the USH1C gene. It is expected to disrupt RNA splicing. Variants that disrupt the donor or acceptor splice site typically lead to a loss of protein function (PMID: 16199547), and loss-of-function variants in USH1C are known to be pathogenic (PMID: 10973247, 17407589, 20301442, 21203349).

Counsyl
Classification: Likely pathogenic for Usher syndrome type 1C; Autosomal recessive nonsyndromic hearing loss 18A. Last evaluated: 2017-09-28. Review status: no assertion criteria provided. Collection method: clinical testing. Allele origin: unknown. Not counted in ClinVar's aggregate classification.

Literature cited by the submitters: PubMed 12107438 (cited by 3 submitters); PubMed 16199547 (cited by Labcorp Genetics (formerly Invitae), Labcorp); PubMed 10973247 (cited by Labcorp Genetics (formerly Invitae), Labcorp); PubMed 17407589 (cited by Labcorp Genetics (formerly Invitae), Labcorp); PubMed 20301442 (cited by Labcorp Genetics (formerly Invitae), Labcorp); PubMed 21203349 (cited by Labcorp Genetics (formerly Invitae), Labcorp); PubMed 25525159 (cited by Counsyl).

NM_153676.4(USH1C):c.674+2T>G

Gene: USH1C (USH1 protein network component harmonin; minus strand). Cytogenetic location: 11p15.1.
Variant type: single nucleotide variant.
Coding change: c.674+2T>G on transcript NM_153676.4 (MANE Select); the canonical splice donor site of the intron after coding-DNA position 674, T replaced by G.
Molecular consequence: splice donor variant.
Genome position (GRCh38, 1-based): chr11:17,526,345, A>C on the plus strand (T>G on the coding strand, the complement: USH1C is on the minus strand). VCF-style: chr11-17526345-A-C. GRCh37 (hg19) VCF-style: chr11-17547892-A-C.
Other names: c.674+2T>G (NM_001297764.2, NM_005709.4).
Identifiers: ClinVar variation 554188 (VCV000554188.12), dbSNP rs1298596518, ClinGen allele CA379793088.